The following is an entry in ClinVar:

NM_005629.4(SLC6A8):c.880A>C (p.Lys294Gln)

Gene: SLC6A8 (solute carrier family 6 member 8; plus strand). Cytogenetic location: Xq28.
Variant type: single nucleotide variant.
Coding change: c.880A>C on transcript NM_005629.4 (MANE Select); coding-DNA position 880, A replaced by C.
Protein change: p.Lys294Gln; replaces lysine 294 with glutamine.
Molecular consequence: missense variant.
Genome position (GRCh38, 1-based): chrX:153,693,143, A>C. VCF-style: chrX-153693143-A-C. GRCh37 (hg19) VCF-style: chrX-152958598-A-C.
Other names: NM_001142805.2:c.880A>C; c.880A>C, p.Lys294Gln (NM_001142805.2); c.535A>C, p.Lys179Gln (NM_001142806.1); short protein forms K179Q, K294Q.
Identifiers: ClinVar variation 3256146 (VCV003256146.1).

ClinVar aggregate classification (germline): Uncertain significance (3 of 4 stars; one submission).

Conditions:
Creatine transporter deficiency (CCDS1). Also called: CEREBRAL CREATINE DEFICIENCY SYNDROME 1; Mental retardation , X-linked with seizures, short stature and midface hypoplasia; Mental retardation , X-linked, with creatine transport deficiency; X-linked creatine transporter deficiency; X-linked creatine deficiency syndrome; SLC6A8-Related Creatine Transporter Deficiency. Identifiers: Orphanet 52503, MedGen C1845862, MONDO:0010305, OMIM 300352.

Submission:

ClinGen Cerebral Creatine Deficiency Syndromes Variant Curation Expert Panel, ClinGen
Classification: Uncertain significance for Creatine transporter deficiency. Last evaluated: 2024-04-11. Review status: reviewed by expert panel. Criteria: ClinGen_CCDS_ACMG_Specifications_SLC6A8_v1.1. Collection method: curation. Allele origin: germline. Inheritance: X-linked inheritance.
Comment: The NM_005629.4:c.880A>C variant in SLC6A8 is a missense variant predicted to cause substitution of a lysine for a glutamine at amino acid position 294 (p.Lys294Gln). This variant has been reported in a heterozygous (carrier) female individual in the Exome Variant Server database without further phenotypic information provided (PMID: 25861866); thus, neither BS2 nor PP4 apply. This variant was reported to result in ≥50% of wild-type creatine transporter activity (PMID: 25861866) but experiment did not use physiological creatine concentrations (≤125μM creatine) so BS3 is not met (PMID: 25861866) (BS3_Supporting). This variant is absent from gnomAD v2.1.1 (PM2_Supporting). The computational predictor REVEL gives a score of 0.39, which is neither above nor below the thresholds predicting a damaging (>0.75) or benign (<0.2) impact on SLC6A8 function. In summary, this variant meets criteria to be classified as a variant of uncertain significance for creatine transporter deficiency. SLC6A8-specific criteria applied, as specified by the ClinGen CCDS VCEP (Specifications Version 1.1.0): PM2_Supporting. (Classification approved by the ClinGen CCDS VCEP on April 11, 2024)